The following is an entry in ClinVar:

NM_000465.4(BARD1):c.11A>C (p.Asn4Thr)

Gene: BARD1 (BRCA1 associated RING domain 1; minus strand). Cytogenetic location: 2q35.
Variant type: single nucleotide variant.
Coding change: c.11A>C on transcript NM_000465.4 (MANE Select); coding-DNA position 11, A replaced by C.
Protein change: p.Asn4Thr; replaces asparagine 4 with threonine.
Molecular consequence: missense variant. On other transcripts: non-coding transcript variant (3).
Genome position (GRCh38, 1-based): chr2:214,809,559, T>G on the plus strand (A>C on the coding strand, the complement: BARD1 is on the minus strand). VCF-style: chr2-214809559-T-G. GRCh37 (hg19) VCF-style: chr2-215674283-T-G.
Other names: c.11A>C, p.Asn4Thr (NM_001282543.2, NM_001282545.2, NM_001282548.2 and 1 more transcripts); short protein forms N4T.
Identifiers: ClinVar variation 2036375 (VCV002036375.4), dbSNP rs2469640337, ClinGen allele CA350465489.

ClinVar aggregate classification (germline): Uncertain significance (1 of 4 stars; one submission).

Conditions:
Familial cancer of breast. Also called: BREAST CANCER, FAMILIAL; hereditary breast carcinoma; Hereditary breast cancer. Identifiers: Orphanet 227535, MedGen C0346153, MONDO:0016419, OMIM 114480. Disease mechanism: loss of function.

Submission:

Labcorp Genetics (formerly Invitae), Labcorp
Classification: Uncertain significance for Familial cancer of breast. Last evaluated: 2022-08-23. Review status: criteria provided, single submitter. Criteria: Invitae Variant Classification Sherloc (09022015). Collection method: clinical testing. Allele origin: germline.
Comment: This sequence change replaces asparagine, which is neutral and polar, with threonine, which is neutral and polar, at codon 4 of the BARD1 protein (p.Asn4Thr). This variant is not present in population databases (gnomAD no frequency). This variant has not been reported in the literature in individuals affected with BARD1-related conditions. In summary, the available evidence is currently insufficient to determine the role of this variant in disease. Therefore, it has been classified as a Variant of Uncertain Significance. Algorithms developed to predict the effect of missense changes on protein structure and function (SIFT, PolyPhen-2, Align-GVGD) all suggest that this variant is likely to be tolerated.